The following is an entry in ClinVar:

NM_002048.3(GAS1):c.381C>T (p.Asp127=)

Gene: GAS1 (growth arrest specific 1; minus strand). Cytogenetic location: 9q21.33.
Variant type: single nucleotide variant.
Coding change: c.381C>T on transcript NM_002048.3 (MANE Select); coding-DNA position 381, C replaced by T.
Protein change: p.Asp127=; no amino-acid change (aspartic acid 127 retained).
Molecular consequence: synonymous variant.
Genome position (GRCh38, 1-based): chr9:86,946,399, G>A on the plus strand (C>T on the coding strand, the complement: GAS1 is on the minus strand). VCF-style: chr9-86946399-G-A. GRCh37 (hg19) VCF-style: chr9-89561314-G-A.
Identifiers: ClinVar variation 3677620 (VCV003677620.2).
Genomic context (GRCh38, chr9:86,946,399, plus strand): 5'-CAGGCACGGCTCAATGGCGCGCTTGGTGGACTTGCAGTTCTCGTCCTGCGCGCAGTCACA[G>A]TCCTCCAGGGCGGGCCCGCGGCGCGTGTGGTTGAGCTGAATGAGGGCCGAGATGCAGTGA-3'
Protein context (NP_002039.2, residues 117-137): NHTRRGPALE[Asp127=]CDCAQDENCK

ClinVar aggregate classification (germline): Uncertain significance (1 of 4 stars; one submission).

Submission:

Labcorp Genetics (formerly Invitae), Labcorp
Classification: Uncertain significance. Last evaluated: 2025-05-09. Review status: criteria provided, single submitter. Criteria: Invitae Variant Classification Sherloc (09022015). Collection method: clinical testing. Allele origin: germline.
Comment: This sequence change affects codon 127 of the GAS1 mRNA. It is a 'silent' change, meaning that it does not change the encoded amino acid sequence of the GAS1 protein. The frequency data for this variant in the population databases is considered unreliable, as metrics indicate poor data quality at this position in the gnomAD database. This variant has not been reported in the literature in individuals affected with GAS1-related conditions. ClinVar contains an entry for this variant (Variation ID: 3677620). In summary, the available evidence is currently insufficient to determine the role of this variant in disease. Therefore, it has been classified as a Variant of Uncertain Significance.